The following is an entry in ClinVar:

NM_001189.4(NKX3-2):c.466+6del

Gene: NKX3-2 (NK3 homeobox 2; minus strand). Cytogenetic location: 4p15.33.
Variant type: Deletion.
Coding change: c.466+6del on transcript NM_001189.4 (MANE Select); 6 bases into the intron after coding-DNA position 466, one base deleted (C; older notation c.466+6delC).
Molecular consequence: intron variant.
Genome position (GRCh38, 1-based): chr4:13,543,943, G deleted on the plus strand (C on the coding strand, the reverse complement: NKX3-2 is on the minus strand). VCF-style (leftmost placement, unchanged base first): chr4-13543942-AG-A. GRCh37 (hg19) VCF-style: chr4-13545566-AG-A.
Identifiers: ClinVar variation 1024320 (VCV001024320.6), dbSNP rs765104713, ClinGen allele CA2860392.

ClinVar aggregate classification (germline): Uncertain significance (1 of 4 stars; one submission).

Allele frequency attached by ClinVar (database versions not stated): gnomAD exomes 0.00004 and 0.00007; ExAC 0.00022; ESP Exome Variant Server 0.00029; gnomAD 0.00056 and 0.00063; TOPMed 0.00057.

Submission:

Labcorp Genetics (formerly Invitae), Labcorp
Classification: Uncertain significance. Last evaluated: 2026-01-26. Review status: criteria provided, single submitter. Criteria: Invitae Variant Classification Sherloc (09022015). Collection method: clinical testing. Allele origin: germline.
Comment: This sequence change falls in intron 1 of the NKX3-2 gene. It does not directly change the encoded amino acid sequence of the NKX3-2 protein. It affects a nucleotide within the consensus splice site. This variant is present in population databases (rs765104713, gnomAD 0.2%). This variant has not been reported in the literature in individuals affected with NKX3-2-related conditions. ClinVar contains an entry for this variant (Variation ID: 1024320). Variants that disrupt the consensus splice site are a relatively common cause of aberrant splicing (PMID: 17576681, 9536098). Algorithms developed to predict the effect of sequence changes on RNA splicing suggest that this variant is not likely to affect RNA splicing. In summary, the available evidence is currently insufficient to determine the role of this variant in disease. Therefore, it has been classified as a Variant of Uncertain Significance.

Literature cited by the submitters: PubMed 17576681; PubMed 9536098.